The following is an entry in ClinVar:

NM_000228.3(LAMB3):c.1989G>C (p.Gln663His)

Gene: LAMB3 (laminin subunit beta 3; minus strand). Cytogenetic location: 1q32.2.
Variant type: single nucleotide variant.
Coding change: c.1989G>C on transcript NM_000228.3 (MANE Select); coding-DNA position 1989, G replaced by C.
Protein change: p.Gln663His; replaces glutamine 663 with histidine.
Molecular consequence: missense variant.
Genome position (GRCh38, 1-based): chr1:209,623,988, C>G on the plus strand (G>C on the coding strand, the complement: LAMB3 is on the minus strand). VCF-style: chr1-209623988-C-G. GRCh37 (hg19) VCF-style: chr1-209797333-C-G.
Other names: c.1989G>C, p.Gln663His (NM_001017402.2, NM_001127641.1); short protein forms Q663H.
Identifiers: ClinVar variation 3372019 (VCV003372019.1).
Genomic context (GRCh38, chr1:209,623,988, plus strand): 5'-CTCCAGGTCTCTCGGAAGGGACAACGTCTCCTCCTCCAGGGGCAGATCCAGCTGCAGGCC[C>G]TGGAGAGTTCGCCTGAGAAGGGAGAGGAGCTTACACTAAAATATAGGAGGGAGTTTTGCC-3'
Protein context (NP_000219.2, residues 653-673): SAILSLRRTL[Gln663His]GLQLDLPLEE

ClinVar aggregate classification (germline): Uncertain significance (1 of 4 stars; one submission).

Submission:

GeneDx
Classification: Uncertain significance. Last evaluated: 2024-04-02. Review status: criteria provided, single submitter. Criteria: GeneDx Variant Classification Process June 2021. Collection method: clinical testing. Allele origin: germline. Affected: yes.
Comment: Has not been previously published as pathogenic or benign to our knowledge; In silico analysis supports that this missense variant does not alter protein structure/function